The following is an entry in ClinVar:

NM_006734.4(HIVEP2):c.4535C>A (p.Ser1512Ter)

Gene: HIVEP2 (HIVEP zinc finger 2; minus strand). Cytogenetic location: 6q24.2.
Variant type: single nucleotide variant.
Coding change: c.4535C>A on transcript NM_006734.4 (MANE Select); coding-DNA position 4535, C replaced by A.
Protein change: p.Ser1512Ter; replaces serine 1512 with a stop codon.
Molecular consequence: nonsense.
Genome position (GRCh38, 1-based): chr6:142,770,204, G>T on the plus strand (C>A on the coding strand, the complement: HIVEP2 is on the minus strand). VCF-style: chr6-142770204-G-T. GRCh37 (hg19) VCF-style: chr6-143091341-G-T.
Other names: short protein forms S1512*.
Identifiers: ClinVar variation 4035384 (VCV004035384.1).
Genomic context (GRCh38, chr6:142,770,204, plus strand): 5'-GACGGGCTAACAGAAGGATAGTCTTGAGATGAGGAGGGCGACAGCGAGGAGAAGGAAGAT[G>T]ACCCTGACTGCAAGCCATCTTTTGGCTCAGAAGCACATCCTTGTCGAACCAGCTGGGGTT-3'

ClinVar aggregate classification (germline): Pathogenic (1 of 4 stars; one submission).

Conditions:
Inborn genetic diseases. Identifiers: MedGen C0950123, MeSH D030342.

Submission:

Ambry Genetics
Classification: Pathogenic for Inborn genetic diseases. Last evaluated: 2025-05-30. Review status: criteria provided, single submitter. Criteria: Ambry Variant Classification Scheme 2023. Collection method: clinical testing. Allele origin: germline.
Comment: The c.4535C>A (p.S1512*) alteration, located in exon 5 (coding exon 1) of the HIVEP2 gene, consists of a C to A substitution at nucleotide position 4535. This changes the amino acid from a serine (S) to a stop codon at amino acid position 1512. This alteration is expected to result in loss of function by premature protein truncation or nonsense-mediated mRNA decay. This variant was not reported in population-based cohorts in the Genome Aggregation Database (gnomAD). Based on the available evidence, this alteration is classified as pathogenic.